The following is an entry in ClinVar:

NM_000400.4(ERCC2):c.1040A>G (p.Gln347Arg)

Gene: ERCC2 (ERCC excision repair 2, TFIIH core complex helicase subunit; minus strand). Cytogenetic location: 19q13.32.
Variant type: single nucleotide variant.
Coding change: c.1040A>G on transcript NM_000400.4 (MANE Select); coding-DNA position 1040, A replaced by G.
Protein change: p.Gln347Arg; replaces glutamine 347 with arginine.
Molecular consequence: missense variant.
Genome position (GRCh38, 1-based): chr19:45,363,821, T>C on the plus strand (A>G on the coding strand, the complement: ERCC2 is on the minus strand). VCF-style: chr19-45363821-T-C. GRCh37 (hg19) VCF-style: chr19-45867079-T-C.
Other names: c.968A>G, p.Gln323Arg (NM_001130867.2); short protein forms Q347R, Q323R.
Identifiers: ClinVar variation 2452351 (VCV002452351.2), dbSNP rs1270366302, ClinGen allele CA406372578.

ClinVar aggregate classification (germline): Uncertain significance (1 of 4 stars; one submission).

Conditions:
Inborn genetic diseases. Identifiers: MedGen C0950123, MeSH D030342.

Allele frequency attached by ClinVar (database versions not stated): gnomAD exomes below 0.00001; TOPMed below 0.00001.
gnomAD v4.1: 2 of 1,541,282 alleles (0.00013%); highest among the groups gnomAD compares: Non-Finnish European, 0.000087%; no homozygotes.

Submission:

Ambry Genetics
Classification: Uncertain significance for Inborn genetic diseases. Last evaluated: 2022-12-18. Review status: criteria provided, single submitter. Criteria: Ambry Variant Classification Scheme 2023. Collection method: clinical testing. Allele origin: germline.
Comment: The p.Q347R variant (also known as c.1040A>G), located in coding exon 11 of the ERCC2 gene, results from an A to G substitution at nucleotide position 1040. The glutamine at codon 347 is replaced by arginine, an amino acid with highly similar properties. This amino acid position is conserved. In addition, this alteration is predicted to be tolerated by in silico analysis. Since supporting evidence is limited at this time, the clinical significance of this alteration remains unclear.